The following is an entry in ClinVar:

NM_003737.4(DCHS1):c.5120G>A (p.Arg1707Gln)

Gene: DCHS1 (dachsous cadherin-related 1; minus strand). Cytogenetic location: 11p15.4.
Variant type: single nucleotide variant.
Coding change: c.5120G>A on transcript NM_003737.4 (MANE Select); coding-DNA position 5120, G replaced by A.
Protein change: p.Arg1707Gln; replaces arginine 1707 with glutamine.
Molecular consequence: missense variant.
Genome position (GRCh38, 1-based): chr11:6,629,493, C>T on the plus strand (G>A on the coding strand, the complement: DCHS1 is on the minus strand). VCF-style: chr11-6629493-C-T. GRCh37 (hg19) VCF-style: chr11-6650724-C-T.
Other names: short protein forms R1707Q.
Identifiers: ClinVar variation 1905500 (VCV001905500.5), dbSNP rs754567549, ClinGen allele CA5860175.

ClinVar aggregate classification (germline): Uncertain significance (1 of 4 stars; one submission).

Allele frequency attached by ClinVar (database versions not stated): ExAC 0.00001; TOPMed 0.00001.
gnomAD v4.1: 6 of 1,613,060 alleles (0.00037%); highest among the groups gnomAD compares: African/African-American, 0.0027%; no homozygotes.

Submission:

Labcorp Genetics (formerly Invitae), Labcorp
Classification: Uncertain significance. Last evaluated: 2023-09-05. Review status: criteria provided, single submitter. Criteria: Invitae Variant Classification Sherloc (09022015). Collection method: clinical testing. Allele origin: germline.
Comment: In summary, the available evidence is currently insufficient to determine the role of this variant in disease. Therefore, it has been classified as a Variant of Uncertain Significance. Advanced modeling of protein sequence and biophysical properties (such as structural, functional, and spatial information, amino acid conservation, physicochemical variation, residue mobility, and thermodynamic stability) performed at Invitae indicates that this missense variant is expected to disrupt DCHS1 protein function. ClinVar contains an entry for this variant (Variation ID: 1905500). This variant has not been reported in the literature in individuals affected with DCHS1-related conditions. This variant is present in population databases (rs754567549, gnomAD 0.007%). This sequence change replaces arginine, which is basic and polar, with glutamine, which is neutral and polar, at codon 1707 of the DCHS1 protein (p.Arg1707Gln).